The following is an entry in ClinVar:

ClinVar aggregate classification (germline): Likely pathogenic (1 of 4 stars; one submission).

Conditions:
Glycogen storage disease, type II (IOPD). Also called: Glucosidase acid-1,4-alpha deficiency; Pompe Disease; GLYCOGENOSIS, GENERALIZED, CARDIAC FORM; GSD II; CARDIOMEGALIA GLYCOGENICA DIFFUSA; Glycogen storage disease type 2. Identifiers: Orphanet 365, MedGen C0017921, MONDO:0009290, OMIM 232300.

Submission:

Myriad Genetics, Inc.
Classification: Likely pathogenic for Glycogen storage disease, type II. Last evaluated: 2022-03-11. Review status: criteria provided, single submitter. Criteria: Myriad Women's Health Autosomal Recessive and X-Linked Classification Criteria (2021). Collection method: clinical testing. Allele origin: unknown.
Comment: NM_000152.3(GAA):c.1575_1576delCA(I526Qfs*4) is expected to be pathogenic in the context of Pompe disease. This variant is predicted to lead to an abnormal or absent protein product due to the creation of a premature termination codon in GAA, a gene where loss-of-function variants are known to be pathogenic. Please note: this variant was assessed in the context of healthy population screening.

NM_000152.5(GAA):c.1575_1576del (p.Ile526fs)

Gene: GAA (alpha glucosidase; plus strand). Cytogenetic location: 17q25.3.
Variant type: Deletion.
Coding change: c.1575_1576del on transcript NM_000152.5 (MANE Select); coding-DNA positions 1575 to 1576, 2 bases deleted (CA; older notation c.1575_1576delCA).
Protein change: p.Ile526fs; shifts the reading frame from isoleucine 526.
Molecular consequence: frameshift variant.
Genome position (GRCh38, 1-based): chr17:80,110,964-80,110,965, CA deleted. VCF-style (leftmost placement, unchanged base first): chr17-80110963-TCA-T. GRCh37 (hg19) VCF-style: chr17-78084762-TCA-T.
Other names: c.1575_1576del, p.Ile526fs (NM_001079803.3, NM_001079804.3); c.1575_1576delCA, p.Ile526Glnfs (NM_001406741.1, NM_001406742.1); short protein forms I526fs.
Identifiers: ClinVar variation 1725168 (VCV001725168.2), dbSNP rs2510374790, ClinGen allele CA2580095759.